The following is an entry in ClinVar:

NM_001024845.3(SLC6A9):c.1274C>A (p.Thr425Asn)

Gene: SLC6A9 (solute carrier family 6 member 9; minus strand). Cytogenetic location: 1p34.1.
Variant type: single nucleotide variant.
Coding change: c.1274C>A on transcript NM_001024845.3 (MANE Select); coding-DNA position 1274, C replaced by A.
Protein change: p.Thr425Asn; replaces threonine 425 with asparagine.
Molecular consequence: missense variant. On other transcripts: non-coding transcript variant (1).
Genome position (GRCh38, 1-based): chr1:44,001,225, G>T on the plus strand (C>A on the coding strand, the complement: SLC6A9 is on the minus strand). VCF-style: chr1-44001225-G-T. GRCh37 (hg19) VCF-style: chr1-44466897-G-T.
Other names: c.1286C>A, p.Thr429Asn (NM_001261380.2); c.941C>A, p.Thr314Asn (NM_001328626.2, NM_001328630.2); c.1211C>A, p.Thr404Asn (NM_001328627.1); c.1079C>A, p.Thr360Asn (NM_001328628.1); c.1274C>A, p.Thr425Asn (NM_001328629.1); c.1331C>A, p.Thr444Asn (NM_006934.4); c.1493C>A, p.Thr498Asn (NM_201649.4); short protein forms T314N, T360N, T404N, T425N, T429N, T444N, T498N.
Identifiers: ClinVar variation 3341410 (VCV003341410.1).

ClinVar aggregate classification (germline): Uncertain significance (1 of 4 stars; one submission).

Conditions:
Atypical glycine encephalopathy. Also called: Glycine encephalopathy with normal serum glycine. Identifiers: Orphanet 289863, MedGen C4310943, MONDO:0015010, OMIM 617301.

gnomAD v4.1: 1 of 1,614,206 alleles (0.000062%); highest among the groups gnomAD compares: East Asian, 0.0022%; no homozygotes.

Submission:

Neuberg Centre For Genomic Medicine, NCGM
Classification: Uncertain significance for Atypical glycine encephalopathy. Last evaluated: 2023-05-20. Review status: criteria provided, single submitter. Criteria: ACMG Guidelines, 2015. Collection method: clinical testing. Allele origin: germline. Inheritance: Autosomal recessive inheritance. Affected: yes.
Comment: The observed missense c.1274C>A(p.Thr425Asn) variant in SLC6A9 gene has not been reported previously as a pathogenic variant nor as a benign variant, to our knowledge. This variant is absent in gnomAD Exomes. The amino acid Thr at position 425 is changed to a Asn changing protein sequence and it might alter its composition and physico-chemical properties. The amino acid change p.Thr425Asn in SLC6A9 is predicted as conserved by GERP++ and PhyloP across 100 vertebrates. Computational evidence (Polyphen - Benign/Possibly Damaging/Damaging, SIFT - Tolerated, and MutationTaster - Disease causing) predicts conflicting evidence on protein structure and function for this variant. For these reasons, this variant has been classified as Uncertain Significance.